The following is an entry in ClinVar:

ClinVar aggregate classification (germline): Uncertain significance (1 of 4 stars; one submission).

Allele frequency attached by ClinVar (database versions not stated): gnomAD 0.00001.
gnomAD v4.1: 2 of 1,612,746 alleles (0.00012%); highest among the groups gnomAD compares: African/African-American, 0.0013%; no homozygotes.

Submission:

Ambry Genetics
Classification: Uncertain significance. Last evaluated: 2024-01-31. Review status: criteria provided, single submitter. Criteria: Ambry Variant Classification Scheme 2023. Collection method: clinical testing. Allele origin: germline.
Comment: The p.A279G variant (also known as c.836C>G), located in coding exon 6 of the RECQL gene, results from a C to G substitution at nucleotide position 836. The alanine at codon 279 is replaced by glycine, an amino acid with similar properties. This amino acid position is conserved. In addition, this alteration is predicted to be deleterious by in silico analysis. Based on the available evidence, the clinical significance of this alteration remains unclear.

NM_002907.4(RECQL):c.836C>G (p.Ala279Gly)

Gene: RECQL (RecQ like helicase; minus strand). Cytogenetic location: 12p12.1.
Variant type: single nucleotide variant.
Coding change: c.836C>G on transcript NM_002907.4 (MANE Select); coding-DNA position 836, C replaced by G.
Protein change: p.Ala279Gly; replaces alanine 279 with glycine.
Molecular consequence: missense variant.
Genome position (GRCh38, 1-based): chr12:21,477,834, G>C on the plus strand (C>G on the coding strand, the complement: RECQL is on the minus strand). VCF-style: chr12-21477834-G-C. GRCh37 (hg19) VCF-style: chr12-21630768-G-C.
Other names: c.836C>G, p.Ala279Gly (NM_032941.3); short protein forms A279G.
Identifiers: ClinVar variation 3222989 (VCV003222989.1), dbSNP rs1398545082, ClinGen allele CA384124116.